The following is an entry in ClinVar:

ClinVar aggregate classification (germline): Uncertain significance. Review status: criteria provided, multiple submitters, no conflicts (2 of 4 stars). 5 submissions from 5 submitters: Uncertain significance (4). 1 of the submissions does not count toward it. Last evaluated 2025-02-28.

Conditions:
COACH syndrome 3. Identifiers: MedGen C5436841, MONDO:0030862, OMIM 619113.
Meckel syndrome, type 5 (MKS5). Identifiers: Orphanet 564, MedGen C1969052, MONDO:0012695, OMIM 611561.
Joubert syndrome 7 (JBTS7). Identifiers: Orphanet 220497, MedGen C1969053, MONDO:0012694, OMIM 611560.
RPGRIP1L-related disorder. Also called: RPGRIP1L-related condition; RPGRIP1L-related disorders. Identifiers: MedGen CN239416.
Meckel-Gruber syndrome. Also called: DYSENCEPHALIA SPLANCHNOCYSTICA; GRUBER SYNDROME; Dysencephalia splachnocystica. Identifiers: Orphanet 564, MedGen C0265215, MONDO:0018921.
Joubert syndrome. Also called: JOUBERT-BOLTSHAUSER SYNDROME; Familial aplasia of the vermis. Identifiers: Orphanet 475, MedGen C5979921, MONDO:0018772.
Inborn genetic diseases. Identifiers: MedGen C0950123, MeSH D030342.

Allele frequency attached by ClinVar (database versions not stated): gnomAD exomes below 0.00001 and 0.00001; gnomAD 0.00003 and 0.00004; TOPMed 0.00003.
gnomAD v4.1: 9 of 1,605,742 alleles (0.00056%); highest among the groups gnomAD compares: African/African-American, 0.0013%; no homozygotes.

Submissions (5):

Ambry Genetics
Classification: Uncertain significance for Inborn genetic diseases. Last evaluated: 2025-02-28. Review status: criteria provided, single submitter. Criteria: Ambry Variant Classification Scheme 2023. Collection method: clinical testing. Allele origin: germline.

Fulgent Genetics
Classification: Uncertain significance for Joubert syndrome 7; Meckel syndrome, type 5; COACH syndrome 3. Last evaluated: 2022-04-21. Review status: criteria provided, single submitter. Criteria: ACMG Guidelines, 2015. Collection method: clinical testing. Allele origin: unknown.

Labcorp Genetics (formerly Invitae), Labcorp
Classification: Uncertain significance for Joubert syndrome; Meckel-Gruber syndrome. Last evaluated: 2021-08-30. Review status: criteria provided, single submitter. Criteria: Invitae Variant Classification Sherloc (09022015). Collection method: clinical testing. Allele origin: germline.
Comment: This sequence change replaces glutamic acid with glycine at codon 531 of the RPGRIP1L protein (p.Glu531Gly). The glutamic acid residue is highly conserved and there is a moderate physicochemical difference between glutamic acid and glycine. This variant is not present in population databases (ExAC no frequency). This variant has not been reported in the literature in individuals affected with RPGRIP1L-related conditions. ClinVar contains an entry for this variant (Variation ID: 194412). Algorithms developed to predict the effect of missense changes on protein structure and function are either unavailable or do not agree on the potential impact of this missense change (SIFT: "Deleterious"; PolyPhen-2: "Possibly Damaging"; Align-GVGD: "Class C15"). In summary, the available evidence is currently insufficient to determine the role of this variant in disease. Therefore, it has been classified as a Variant of Uncertain Significance.

Eurofins Ntd Llc (ga)
Classification: Uncertain significance. Last evaluated: 2014-11-06. Review status: criteria provided, single submitter. Criteria: EGL Classification Definitions 2015. Collection method: clinical testing. Allele origin: germline. Observed: 1 variant allele, 1 heterozygote.

PreventionGenetics, part of Exact Sciences
Classification: Uncertain significance for RPGRIP1L-related condition. Last evaluated: 2024-05-23. Review status: no assertion criteria provided. Collection method: clinical testing. Allele origin: germline. Not counted in ClinVar's aggregate classification.
Comment: The RPGRIP1L c.1592A>G variant is predicted to result in the amino acid substitution p.Glu531Gly. To our knowledge, this variant has not been reported in the literature. This variant is reported in 0.0031% of alleles in individuals of European (Non-Finnish) descent in gnomAD. At this time, the clinical significance of this variant is uncertain due to the absence of conclusive functional and genetic evidence.

NM_015272.5(RPGRIP1L):c.1592A>G (p.Glu531Gly)

Gene: RPGRIP1L (RPGRIP1 like; minus strand). Cytogenetic location: 16q12.2.
Variant type: single nucleotide variant.
Coding change: c.1592A>G on transcript NM_015272.5 (MANE Select); coding-DNA position 1592, A replaced by G.
Protein change: p.Glu531Gly; replaces glutamic acid 531 with glycine.
Molecular consequence: missense variant.
Genome position (GRCh38, 1-based): chr16:53,656,579, T>C on the plus strand (A>G on the coding strand, the complement: RPGRIP1L is on the minus strand). VCF-style: chr16-53656579-T-C. GRCh37 (hg19) VCF-style: chr16-53690491-T-C.
Other names: c.1592A>G, p.Glu531Gly (NM_001127897.4, NM_001308334.3, NM_001330538.2); c.1592A>G (NM_015272.4, NM_015272.2); short protein forms E531G.
Identifiers: ClinVar variation 194412 (VCV000194412.10), dbSNP rs794727129, ClinGen allele CA240345.
Genomic context (GRCh38, chr16:53,656,579, plus strand): 5'-TACTGTTCCACTTTGAGTTCATAATCTTGCTGCAAATTTTCCATCTTACGGGTCACTGCC[T>C]CAACCTCCATCTACAAAATAAGGGAAAATAAGTTTTAATACTTATGATTAGTTCTATTTT-3'
Protein context (NP_056087.2, residues 521-541): KINKDYQMEV[Glu531Gly]AVTRKMENLQ